The following is an entry in ClinVar:

NM_014391.3(ANKRD1):c.422C>G (p.Ser141Ter)

Gene: ANKRD1 (ankyrin repeat domain 1; minus strand). Cytogenetic location: 10q23.31.
Variant type: single nucleotide variant.
Coding change: c.422C>G on transcript NM_014391.3 (MANE Select); coding-DNA position 422, C replaced by G.
Protein change: p.Ser141Ter; replaces serine 141 with a stop codon.
Molecular consequence: nonsense.
Genome position (GRCh38, 1-based): chr10:90,918,896, G>C on the plus strand (C>G on the coding strand, the complement: ANKRD1 is on the minus strand). VCF-style: chr10-90918896-G-C. GRCh37 (hg19) VCF-style: chr10-92678653-G-C.
Other names: short protein forms S141*.
Identifiers: ClinVar variation 565807 (VCV000565807.6), dbSNP rs1564574541, ClinGen allele CA377552148.

ClinVar aggregate classification (germline): Uncertain significance (1 of 4 stars; one submission).

Conditions:
ANKRD1-related dilated cardiomyopathy. Identifiers: MedGen CN119551.

Submission:

Labcorp Genetics (formerly Invitae), Labcorp
Classification: Uncertain significance for ANKRD1-related dilated cardiomyopathy. Last evaluated: 2018-06-07. Review status: criteria provided, single submitter. Criteria: Invitae Variant Classification Sherloc (09022015). Collection method: clinical testing. Allele origin: germline.
Comment: In summary, the available evidence is currently insufficient to determine the role of this variant in disease. Therefore, it has been classified as a Variant of Uncertain Significance. The current clinical and genetic evidence is not sufficient to establish whether loss-of-function variants in ANKRD1 cause disease. This variant has not been reported in the literature in individuals with ANKRD1-related disease. This variant is not present in population databases (ExAC no frequency). This sequence change creates a premature translational stop signal (p.Ser141*) in the ANKRD1 gene. It is expected to result in an absent or disrupted protein product.